The following is an entry in ClinVar:

NM_016929.5(CLIC5):c.553G>A (p.Asp185Asn)

Gene: CLIC5 (chloride intracellular channel 5; minus strand). Cytogenetic location: 6p21.1.
Variant type: single nucleotide variant.
Coding change: c.553G>A on transcript NM_016929.5 (MANE Select); coding-DNA position 553, G replaced by A.
Protein change: p.Asp185Asn; replaces aspartic acid 185 with asparagine.
Molecular consequence: missense variant. On other transcripts: non-coding transcript variant (3).
Genome position (GRCh38, 1-based): chr6:45,914,263, C>T on the plus strand (G>A on the coding strand, the complement: CLIC5 is on the minus strand). VCF-style: chr6-45914263-C-T. GRCh37 (hg19) VCF-style: chr6-45882000-C-T.
Other names: c.1030G>A, p.Asp344Asn (NM_001114086.2, NM_001370650.1); c.553G>A, p.Asp185Asn (NM_001256023.2); c.436G>A, p.Asp146Asn (NM_001370649.1); short protein forms D146N, D185N, D344N.
Identifiers: ClinVar variation 2835770 (VCV002835770.3), dbSNP rs2481196765, ClinGen allele CA363961113.
Genomic context (GRCh38, chr6:45,914,263, plus strand): 5'-GCCCCTGTGGGTAGAGCTCTCTTACCTTGACCACATGGAGCTTGGGCAACAGATTGCAGT[C>T]AGCCAGGGTCAGCTCATCCCCATCCAGGAACTTGCGCCGGGACCCCTTGTCTTCCCCACA-3'
Protein context (NP_058625.2, residues 175-195): FLDGDELTLA[Asp185Asn]CNLLPKLHVV

ClinVar aggregate classification (germline): Uncertain significance (1 of 4 stars; one submission).

gnomAD v4.1: 1 of 1,605,686 alleles (0.000062%); highest among the groups gnomAD compares: Non-Finnish European, 0.000085%; no homozygotes.

Submission:

Labcorp Genetics (formerly Invitae), Labcorp
Classification: Uncertain significance. Last evaluated: 2024-03-04. Review status: criteria provided, single submitter. Criteria: Invitae Variant Classification Sherloc (09022015). Collection method: clinical testing. Allele origin: germline.
Comment: This sequence change replaces aspartic acid, which is acidic and polar, with asparagine, which is neutral and polar, at codon 344 of the CLIC5 protein (p.Asp344Asn). This variant is not present in population databases (gnomAD no frequency). This variant has not been reported in the literature in individuals affected with CLIC5-related conditions. An algorithm developed to predict the effect of missense changes on protein structure and function (PolyPhen-2) suggests that this variant is likely to be disruptive. In summary, the available evidence is currently insufficient to determine the role of this variant in disease. Therefore, it has been classified as a Variant of Uncertain Significance.